The following is an entry in ClinVar:

NM_000231.3(SGCG):c.267A>G (p.Pro89=)

Gene: SGCG (sarcoglycan gamma; plus strand). Cytogenetic location: 13q12.12.
Variant type: single nucleotide variant.
Coding change: c.267A>G on transcript NM_000231.3 (MANE Select); coding-DNA position 267, A replaced by G.
Protein change: p.Pro89=; no amino-acid change (proline 89 retained).
Molecular consequence: synonymous variant.
Genome position (GRCh38, 1-based): chr13:23,234,682, A>G. VCF-style: chr13-23234682-A-G. GRCh37 (hg19) VCF-style: chr13-23808821-A-G.
Other names: c.321A>G, p.Pro107= (NM_001378244.1); c.267A>G, p.Pro89= (NM_001378245.1, NM_001378246.1).
Identifiers: ClinVar variation 281288 (VCV000281288.19), dbSNP rs149595403, ClinGen allele CA6909619.

ClinVar aggregate classification (germline): Conflicting classifications of pathogenicity. Review status: criteria provided, conflicting classifications (1 of 4 stars). 5 submissions from 5 submitters: Uncertain significance (2); Likely benign (2). 1 of the submissions does not count toward it. Last evaluated 2024-07-12.

Conditions:
Autosomal recessive limb-girdle muscular dystrophy type 2C (LGMDR5). Also called: MUSCULAR DYSTROPHY, DUCHENNE-LIKE; MUSCULAR DYSTROPHY, LIMB-GIRDLE, AUTOSOMAL RECESSIVE 5. Identifiers: Orphanet 353, MedGen C0410173, MONDO:0009677, OMIM 253700. Disease mechanism: Affects gamma-sarcoglycan and also disrupts the integrity of the entire sarcoglycan complex..

Allele frequency attached by ClinVar (database versions not stated): gnomAD 0.00001; TOPMed 0.00003; gnomAD exomes 0.00007; ESP Exome Variant Server 0.00008; ExAC 0.00009.
gnomAD v4.1: 110 of 1,609,234 alleles (0.0068%); highest among the groups gnomAD compares: Middle Eastern, 0.033%; no homozygotes.

Submissions (5):

Labcorp Genetics (formerly Invitae), Labcorp
Classification: Likely benign for Autosomal recessive limb-girdle muscular dystrophy type 2C. Last evaluated: 2024-07-12. Review status: criteria provided, single submitter. Criteria: Invitae Variant Classification Sherloc (09022015). Collection method: clinical testing. Allele origin: germline.

Genome-Nilou Lab
Classification: Uncertain significance for Autosomal recessive limb-girdle muscular dystrophy type 2C. Last evaluated: 2021-07-22. Review status: criteria provided, single submitter. Criteria: ACMG Guidelines, 2015. Collection method: clinical testing. Allele origin: germline. Affected: no.

GeneDx
Classification: Likely benign. Last evaluated: 2017-03-27. Review status: criteria provided, single submitter. Criteria: GeneDx Variant Classification (06012015). Collection method: clinical testing. Allele origin: germline. Affected: yes.
Comment: This variant is considered likely benign or benign based on one or more of the following criteria: it is a conservative change, it occurs at a poorly conserved position in the protein, it is predicted to be benign by multiple in silico algorithms, and/or has population frequency not consistent with disease.

Eurofins Ntd Llc (ga)
Classification: Uncertain significance. Last evaluated: 2015-07-10. Review status: criteria provided, single submitter. Criteria: EGL Classification Definitions 2015. Collection method: clinical testing. Allele origin: germline. Observed: 1 variant allele, 1 heterozygote.

Natera, Inc.
Classification: Uncertain significance for Limb-girdle muscular dystrophy type 2C. Last evaluated: 2020-01-24. Review status: no assertion criteria provided. Collection method: clinical testing. Allele origin: germline. Not counted in ClinVar's aggregate classification.